The following is an entry in ClinVar:

ClinVar aggregate classification (germline): Uncertain significance (1 of 4 stars; one submission).

Submission:

GeneDx
Classification: Uncertain significance. Last evaluated: 2023-12-29. Review status: criteria provided, single submitter. Criteria: GeneDx Variant Classification Process June 2021. Collection method: clinical testing. Allele origin: germline. Affected: yes.
Comment: Not observed at significant frequency in large population cohorts (gnomAD); In silico analysis supports that this missense variant does not alter protein structure/function; Has not been previously published as pathogenic or benign to our knowledge; Reported using an alternate transcript of the gene

NM_006372.5(SYNCRIP):c.1752C>G (p.Asn584Lys)

Gene: SYNCRIP (synaptotagmin binding cytoplasmic RNA interacting protein; minus strand). Cytogenetic location: 6q14.3.
Variant type: single nucleotide variant.
Coding change: c.1752C>G on transcript NM_006372.5 (MANE Select); coding-DNA position 1752, C replaced by G.
Protein change: p.Asn584Lys; replaces asparagine 584 with lysine.
Molecular consequence: missense variant. On other transcripts: intron variant (6).
Genome position (GRCh38, 1-based): chr6:85,614,876, G>C on the plus strand (C>G on the coding strand, the complement: SYNCRIP is on the minus strand). VCF-style: chr6-85614876-G-C. GRCh37 (hg19) VCF-style: chr6-86324594-G-C.
Other names: c.1647C>G, p.Asn549Lys (NM_001159675.2); c.1458C>G, p.Asn486Lys (NM_001410938.1, NM_001439159.1); c.1752C>G, p.Asn584Lys (NM_001439158.1, NM_001439161.1, NM_001439162.1); c.1647+105C>G (NM_001439160.1, NM_001159676.2, NM_001159677.2); c.1191+105C>G (NM_001253771.2); c.1353+105C>G (NM_001159673.2); c.1542+105C>G (NM_001159674.2); short protein forms N486K, N549K, N584K.
Identifiers: ClinVar variation 3370041 (VCV003370041.1).